The following is an entry in ClinVar:

ClinVar aggregate classification (germline): Pathogenic (1 of 4 stars; one submission).

Conditions:
Bethlem myopathy 1A. Also called: MYOPATHY, BENIGN CONGENITAL, WITH CONTRACTURES; Bethlem Muscular Dystrophy; Bethlem myopathy 1. Identifiers: Orphanet 610, MedGen CN029274, MONDO:0024530, OMIM 158810.

Submission:

Labcorp Genetics (formerly Invitae), Labcorp
Classification: Pathogenic for Bethlem myopathy 1A. Last evaluated: 2023-08-16. Review status: criteria provided, single submitter. Criteria: Invitae Variant Classification Sherloc (09022015). Collection method: clinical testing. Allele origin: germline.
Comment: This variant is not present in population databases (gnomAD no frequency). This missense change has been observed in individual(s) with clinical features of autosomal dominant type VI collagenopathy (Invitae). It has also been observed to segregate with disease in related individuals. ClinVar contains an entry for this variant (Variation ID: 837080). Advanced modeling of protein sequence and biophysical properties (such as structural, functional, and spatial information, amino acid conservation, physicochemical variation, residue mobility, and thermodynamic stability) performed at Invitae indicates that this missense variant is expected to disrupt COL6A2 protein function. This variant disrupts the triple helix domain of COL6A2. Glycine residues within the Gly-Xaa-Yaa repeats of the triple helix domain are required for the structure and stability of fibrillar collagens (PMID: 7695699, 8218237, 19344236). In COL6A2, missense variants at these glycine residues are significantly enriched in individuals with autosomal dominant disease (PMID: 15689448, 24038877) compared to the general population (ExAC). For these reasons, this variant has been classified as Pathogenic. This sequence change replaces glycine, which is neutral and non-polar, with glutamic acid, which is acidic and polar, at codon 265 of the COL6A2 protein (p.Gly265Glu).

Literature cited by the submitters: PubMed 7695699; PubMed 8218237; PubMed 19344236; PubMed 15689448; PubMed 24038877.

NM_001849.4(COL6A2):c.794G>A (p.Gly265Glu)

Gene: COL6A2 (collagen type VI alpha 2 chain; plus strand). Cytogenetic location: 21q22.3.
Variant type: single nucleotide variant.
Coding change: c.794G>A on transcript NM_001849.4 (MANE Select); coding-DNA position 794, G replaced by A.
Protein change: p.Gly265Glu; replaces glycine 265 with glutamic acid.
Molecular consequence: missense variant.
Genome position (GRCh38, 1-based): chr21:46,114,066, G>A. VCF-style: chr21-46114066-G-A. GRCh37 (hg19) VCF-style: chr21-47533980-G-A.
Other names: c.794G>A, p.Gly265Glu (NM_058174.3, NM_058175.3); short protein forms G265E.
Identifiers: ClinVar variation 837080 (VCV000837080.10), dbSNP rs2078438903, ClinGen allele CA410523569.
Genomic context (GRCh38, chr21:46,114,066, plus strand): 5'-AGTGCTACAAGGTGAGCTGCCTGGAAATCCCTGGGCCCTCTGGCCCCAAGGGCTACCGTG[G>A]ACAGAAGGTAAGATGCCCAGATTACCTGCAGGGTCTGCGCTACCAGGAAGCCCCTGATTT-3'
Protein context (NP_001840.3, residues 255-275): PGPSGPKGYR[Gly265Glu]QKGAKGNMGE